The following is an entry in ClinVar:

NM_014363.6(SACS):c.11205T>G (p.Asn3735Lys)

Gene: SACS (sacsin molecular chaperone; minus strand). Cytogenetic location: 13q12.12.
Variant type: single nucleotide variant.
Coding change: c.11205T>G on transcript NM_014363.6 (MANE Select); coding-DNA position 11205, T replaced by G.
Protein change: p.Asn3735Lys; replaces asparagine 3735 with lysine.
Molecular consequence: missense variant.
Genome position (GRCh38, 1-based): chr13:23,332,671, A>C on the plus strand (T>G on the coding strand, the complement: SACS is on the minus strand). VCF-style: chr13-23332671-A-C. GRCh37 (hg19) VCF-style: chr13-23906810-A-C.
Other names: c.10764T>G, p.Asn3588Lys (NM_001278055.2); short protein forms N3588K, N3735K.
Identifiers: ClinVar variation 3571776 (VCV003571776.1).
Genomic context (GRCh38, chr13:23,332,671, plus strand): 5'-TATGTTTCTGCAGTTATTGATTACCTTATCAAGAGGAGGATCCAGGTTAACATTAAGCAT[A>C]TTTAAAACTTGTTCAAGCTGTTCTTGTGGACCAAGGTCACTACCTTCTTGTTCTTTAATG-3'
Protein context (NP_055178.3, residues 3725-3745): GPQEQLEQVL[Asn3735Lys]MLNVNLDPPL

ClinVar aggregate classification (germline): Uncertain significance (1 of 4 stars; one submission).

Submission:

Athena Diagnostics
Classification: Uncertain significance. Last evaluated: 2024-03-28. Review status: criteria provided, single submitter. Criteria: Athena Diagnostics Criteria. Collection method: clinical testing. Allele origin: unknown.
Comment: Available data are insufficient to determine the clinical significance of the variant at this time. This variant has not been reported in large, multi-ethnic general populations. Computational tools predict that this variant is not damaging.